The following is an entry in ClinVar:

NM_001009944.3(PKD1):c.1948G>C (p.Ala650Pro)

Gene: PKD1 (polycystin 1, transient receptor potential channel interacting; minus strand). Cytogenetic location: 16p13.3.
Variant type: single nucleotide variant.
Coding change: c.1948G>C on transcript NM_001009944.3 (MANE Select); coding-DNA position 1948, G replaced by C.
Protein change: p.Ala650Pro; replaces alanine 650 with proline.
Molecular consequence: missense variant.
Genome position (GRCh38, 1-based): chr16:2,115,527, C>G on the plus strand (G>C on the coding strand, the complement: PKD1 is on the minus strand). VCF-style: chr16-2115527-C-G. GRCh37 (hg19) VCF-style: chr16-2165528-C-G.
Other names: c.1948G>C, p.Ala650Pro (NM_000296.4); short protein forms A650P.
Identifiers: ClinVar variation 3351008 (VCV003351008.2).

ClinVar aggregate classification (germline): Uncertain significance. Review status: criteria provided, single submitter (1 of 4 stars). 2 submissions from 2 submitters: Uncertain significance (1). 1 of the submissions does not count toward it. Last evaluated 2018-03-16.

Conditions:
Polycystic kidney disease, adult type (PKD1). Also called: Polycystic Kidney, Autosomal Dominant; POLYCYSTIC KIDNEY DISEASE 1 WITH OR WITHOUT POLYCYSTIC LIVER DISEASE; POLYCYSTIC KIDNEY DISEASE, ADULT, TYPE I; Polycystic Kidney Disease 1, Autosomal Dominant; Polycystic kidney disease 1; Polycystic kidney disease 1, severe. Identifiers: MedGen C3149841, MONDO:0008263, OMIM 173900.
PKD1-related disorder. Also called: PKD1-related condition.

Submissions (2):

Department of Pathology and Laboratory Medicine, Sinai Health System
Classification: Uncertain significance for Polycystic kidney disease, adult type. Last evaluated: 2018-03-16. Review status: criteria provided, single submitter. Criteria: ACMG Guidelines, 2015. Collection method: clinical testing. Allele origin: germline. Affected: yes.

PreventionGenetics, part of Exact Sciences
Classification: Uncertain significance for PKD1-related condition. Last evaluated: 2024-04-03. Review status: no assertion criteria provided. Collection method: clinical testing. Allele origin: germline. Not counted in ClinVar's aggregate classification.
Comment: The PKD1 c.1948G>C variant is predicted to result in the amino acid substitution p.Ala650Pro. To our knowledge, this variant has not been reported in the literature. This variant is reported in 0.0075% of alleles in individuals of Latino descent in gnomAD. At this time, the clinical significance of this variant is uncertain due to the absence of conclusive functional and genetic evidence.